The following is an entry in ClinVar:

NM_006231.4(POLE):c.5002G>C (p.Gly1668Arg)

Gene: POLE (DNA polymerase epsilon, catalytic subunit; minus strand). Cytogenetic location: 12q24.33.
Variant type: single nucleotide variant.
Coding change: c.5002G>C on transcript NM_006231.4 (MANE Select); coding-DNA position 5002, G replaced by C.
Protein change: p.Gly1668Arg; replaces glycine 1668 with arginine.
Molecular consequence: missense variant.
Genome position (GRCh38, 1-based): chr12:132,642,348, C>G on the plus strand (G>C on the coding strand, the complement: POLE is on the minus strand). VCF-style: chr12-132642348-C-G. GRCh37 (hg19) VCF-style: chr12-133218934-C-G.
Other names: short protein forms G1668R.
Identifiers: ClinVar variation 4141147 (VCV004141147.1).

ClinVar aggregate classification (germline): Uncertain significance (1 of 4 stars; one submission).

Conditions:
Hereditary cancer-predisposing syndrome. Also called: Hereditary neoplastic syndrome; Neoplastic Syndromes, Hereditary; Tumor predisposition; Hereditary Cancer Syndrome. Identifiers: Orphanet 140162, MedGen C0027672, MeSH D009386, MONDO:0015356.

Submission:

Ambry Genetics
Classification: Uncertain significance for Hereditary cancer-predisposing syndrome. Last evaluated: 2025-07-03. Review status: criteria provided, single submitter. Criteria: Ambry Variant Classification Scheme 2023. Collection method: clinical testing. Allele origin: germline.
Comment: The p.G1668R variant (also known as c.5002G>C), located in coding exon 38 of the POLE gene, results from a G to C substitution at nucleotide position 5002. The glycine at codon 1668 is replaced by arginine, an amino acid with dissimilar properties. This amino acid position is conserved. In addition, the in silico prediction for this alteration is inconclusive. Based on the available evidence, the clinical significance of this variant remains unclear.